The following is an entry in ClinVar:

NM_000038.6(APC):c.*1460C>T

Gene: APC (APC regulator of Wnt signaling pathway; plus strand). Cytogenetic location: 5q22.2.
Variant type: single nucleotide variant.
Coding change: c.*1460C>T on transcript NM_000038.6 (MANE Select); 1460 bases downstream of the stop codon, C replaced by T.
Molecular consequence: 3 prime UTR variant.
Genome position (GRCh38, 1-based): chr5:112,845,586, C>T. VCF-style: chr5-112845586-C-T. GRCh37 (hg19) VCF-style: chr5-112181283-C-T.
Other names: c.*1460C>T (NM_001127510.3, NM_001127511.3, NM_001354895.2 and 11 more transcripts).
Identifiers: ClinVar variation 83261 (VCV000083261.6), dbSNP rs3733961, ClinGen allele CA005177.

ClinVar aggregate classification (germline): Benign. Review status: criteria provided, single submitter (1 of 4 stars). 2 submissions from 2 submitters: Benign (1). 1 of the submissions does not count toward it. Last evaluated 2018-01-13.

Conditions:
APC-Associated Polyposis Disorders.
Familial colorectal cancer. Identifiers: MedGen CN280943, MONDO:0023113. Disease mechanism: loss of function.

Allele frequency attached by ClinVar (database versions not stated): gnomAD exomes 0.04657; gnomAD 0.07239 and 0.07256; TOPMed 0.08021; 1000 Genomes Project 30x 0.11571; 1000 Genomes Project 0.11681.
gnomAD v4.1: 14,717 of 232,322 alleles (6.3%); highest among the groups gnomAD compares: African/African-American, 18%; 990 homozygotes.

Submissions (2):

Illumina Laboratory Services, Illumina
Classification: Benign for APC-Associated Polyposis Disorders. Last evaluated: 2018-01-13. Review status: criteria provided, single submitter. Criteria: ICSL Variant Classification Criteria 13 December 2019. Collection method: clinical testing. Allele origin: germline.
Comment: This variant was observed in the ICSL laboratory as part of a predisposition screen in an ostensibly healthy population. It had not been previously curated by ICSL or reported in the Human Gene Mutation Database (HGMD: prior to June 1st, 2018), and was therefore a candidate for classification through an automated scoring system. Utilizing variant allele frequency, disease prevalence and penetrance estimates, and inheritance mode, an automated score was calculated to assess if this variant is too frequent to cause the disease. Based on the score and internal cut-off values, a variant classified as benign is not then subjected to further curation. The score for this variant resulted in a classification of benign for this disease.

Systems Biology Platform Zhejiang California International NanoSystems Institute
Classification: other for Familial colorectal cancer. Review status: no assertion criteria provided. Collection method: not provided. Allele origin: unknown. Not counted in ClinVar's aggregate classification.
ClinVar note: Converted during submission from cancer to other.